The following is an entry in ClinVar:

ClinVar aggregate classification (germline): Uncertain significance (1 of 4 stars; one submission).

Allele frequency attached by ClinVar (database versions not stated): TOPMed below 0.00001; ExAC 0.00001; gnomAD 0.00001; gnomAD exomes 0.00002; ESP Exome Variant Server 0.00008.

Submission:

Labcorp Genetics (formerly Invitae), Labcorp
Classification: Uncertain significance. Last evaluated: 2024-12-11. Review status: criteria provided, single submitter. Criteria: Invitae Variant Classification Sherloc (09022015). Collection method: clinical testing. Allele origin: germline.
Comment: This sequence change replaces leucine, which is neutral and non-polar, with proline, which is neutral and non-polar, at codon 191 of the KIF20A protein (p.Leu191Pro). This variant is present in population databases (rs141777523, gnomAD 0.003%). This variant has not been reported in the literature in individuals affected with KIF20A-related conditions. ClinVar contains an entry for this variant (Variation ID: 1477361). An algorithm developed to predict the effect of missense changes on protein structure and function (PolyPhen-2) suggests that this variant is likely to be disruptive. In summary, the available evidence is currently insufficient to determine the role of this variant in disease. Therefore, it has been classified as a Variant of Uncertain Significance.

NM_005733.3(KIF20A):c.572T>C (p.Leu191Pro)

Gene: KIF20A (kinesin family member 20A; plus strand). Cytogenetic location: 5q31.2.
Variant type: single nucleotide variant.
Coding change: c.572T>C on transcript NM_005733.3 (MANE Select); coding-DNA position 572, T replaced by C.
Protein change: p.Leu191Pro; replaces leucine 191 with proline.
Molecular consequence: missense variant.
Genome position (GRCh38, 1-based): chr5:138,182,643, T>C. VCF-style: chr5-138182643-T-C. GRCh37 (hg19) VCF-style: chr5-137518332-T-C.
Other names: short protein forms L191P.
Identifiers: ClinVar variation 1477361 (VCV001477361.8), dbSNP rs141777523, ClinGen allele CA3426351.